The following is an entry in ClinVar:

NM_001010892.3(RSPH4A):c.2007C>G (p.Tyr669Ter)

Gene: RSPH4A (radial spoke head component 4A; plus strand). Cytogenetic location: 6q22.1.
Variant type: single nucleotide variant.
Coding change: c.2007C>G on transcript NM_001010892.3 (MANE Select); coding-DNA position 2007, C replaced by G.
Protein change: p.Tyr669Ter; replaces tyrosine 669 with a stop codon.
Molecular consequence: nonsense. On other transcripts: 3 prime UTR variant (1).
Genome position (GRCh38, 1-based): chr6:116,632,297, C>G. VCF-style: chr6-116632297-C-G. GRCh37 (hg19) VCF-style: chr6-116953460-C-G.
Other names: c.*68C>G (NM_001161664.2); short protein forms Y669*.
Identifiers: ClinVar variation 4881230 (VCV004881230.2).

ClinVar aggregate classification (germline): Uncertain significance (1 of 4 stars; one submission).

Submission:

Dasa
Classification: Uncertain significance. Last evaluated: 2026-01-06. Review status: criteria provided, single submitter. Criteria: DASA Assertion Criteria. Collection method: clinical testing. Allele origin: germline.
Comment: NM_001010892.3(RSPH4A):c.2007C>G (p.Tyr669*) is a nonsense variant in RSPH4A predicted to introduce a premature termination codon and is predicted to result in an absent or altered protein product. This variant is rare in population databases. The currently available literature and clinical evidence are not sufficient to establish a definitive association between this variant and the reported condition. Therefore, this variant is classified as a variant of uncertain significance.